The following is an entry in ClinVar:

ClinVar aggregate classification (germline): Likely benign (1 of 4 stars; one submission).

Conditions:
Hereditary breast ovarian cancer syndrome. Also called: Hereditary breast and ovarian cancer; Hereditary breast and ovarian cancer syndrome (HBOC); Breast and ovarian cancer; Hereditary breast and/or ovarian cancer syndrome; BRCA1- and BRCA2-Associated Hereditary Breast and Ovarian Cancer; Hereditary breast and ovarian cancer syndrome. Identifiers: Orphanet 145, MedGen C0677776, MeSH D061325, MONDO:0003582. Disease mechanism: loss of function.

Submissions (2):

Labcorp Genetics (formerly Invitae), Labcorp
Classification: Likely benign for Hereditary breast ovarian cancer syndrome. Last evaluated: 2021-07-02. Review status: criteria provided, single submitter. Criteria: Invitae Variant Classification Sherloc (09022015). Collection method: clinical testing. Allele origin: germline.

Brotman Baty Institute, University of Washington
No classification provided (evidence only). Condition: Breast-ovarian cancer, familial 1. Review status: no classification provided. Collection method: in vitro. Allele origin: not applicable. Functional consequence: functionally_normal. Not counted in ClinVar's aggregate classification.
ClinVar note: "not provided" was previously submitted as the classification for the variant. However, the classification appeared to be based only on an observation of functional data so it was converted to no classification on 2025-07-30.

NM_007294.4(BRCA1):c.5193+14G>T

Gene: BRCA1 (BRCA1 DNA repair associated; minus strand). Cytogenetic location: 17q21.31.
Variant type: single nucleotide variant.
Coding change: c.5193+14G>T on transcript NM_007294.4 (MANE Select); 14 bases into the intron after coding-DNA position 5193, G replaced by T.
Molecular consequence: intron variant.
Genome position (GRCh38, 1-based): chr17:43,063,319, C>A on the plus strand (G>T on the coding strand, the complement: BRCA1 is on the minus strand). VCF-style: chr17-43063319-C-A. GRCh37 (hg19) VCF-style: chr17-41215336-C-A.
Other names: c.5046+14G>T (NM_001407853.1, NM_001407843.1, NM_001407847.1 and 12 more transcripts); c.1617+14G>T (NM_001408502.1, NM_001408504.1, NM_001408503.1); c.4857+14G>T (NM_001407951.1, NM_001407954.1, NM_001407952.1 and 3 more transcripts); c.4860+14G>T (NM_001407946.1, NM_001407948.1, NM_001407947.1 and 1 more transcripts); c.1671+14G>T (NM_001408489.1, NM_001408482.1, NM_001408484.1 and 5 more transcripts); c.1674+14G>T (NM_001408479.1, NM_001408478.1, NM_001408480.1); c.4980+14G>T (NM_001407910.1, NM_001407904.1, NM_001407896.1 and 12 more transcripts); c.4983+14G>T (NM_001407884.1, NM_001407879.1, NM_001407882.1 and 5 more transcripts); and 72 more.
Identifiers: ClinVar variation 868142 (VCV000868142.12), dbSNP rs2051850932, ClinGen allele CA916080014.